The following is an entry in ClinVar:

NM_015335.5(MED13L):c.5000_5001del (p.Ser1667fs)

Gene: MED13L (mediator complex subunit 13L; minus strand). Cytogenetic location: 12q24.21.
Variant type: Microsatellite.
Coding change: c.5000_5001del on transcript NM_015335.5 (MANE Select); coding-DNA positions 5000 to 5001, 2 bases deleted (CT; older notation c.5000_5001delCT).
Protein change: p.Ser1667fs; shifts the reading frame from serine 1667.
Molecular consequence: frameshift variant.
Genome position (GRCh38, 1-based): chr12:115,982,558-115,982,559, AG deleted on the plus strand (CT on the coding strand, the reverse complement: MED13L is on the minus strand); deleting any 2 consecutive bases within chr12:115,982,558-115,982,561 gives the same sequence; the c. name uses the placement nearest the transcript's 3' end. VCF-style (leftmost placement, unchanged base first): chr12-115982557-CAG-C. GRCh37 (hg19) VCF-style: chr12-116420362-CAG-C.
Other names: c.5000_5001del (NM_015335.4); short protein forms S1667fs.
Identifiers: ClinVar variation 3362241 (VCV003362241.3).

ClinVar aggregate classification (germline): Pathogenic. Review status: criteria provided, multiple submitters, no conflicts (2 of 4 stars). 2 submissions from 2 submitters: Pathogenic (2). Last evaluated 2024-05-07.

Conditions:
Cardiac anomalies - developmental delay - facial dysmorphism syndrome (MRFACD). Also called: Impaired intellectual development and distinctive facial features with or without cardiac defects; MED13L Syndrome. Identifiers: Orphanet 369891, MedGen C5192431, MONDO:0014773, OMIM 616789.

Submissions (2):

GeneDx
Classification: Pathogenic. Last evaluated: 2024-05-07. Review status: criteria provided, single submitter. Criteria: GeneDx Variant Classification Process June 2021. Collection method: clinical testing. Allele origin: germline. Affected: yes.
Comment: Frameshift variant predicted to result in protein truncation or nonsense mediated decay in a gene for which loss of function is a known mechanism of disease; Not observed at significant frequency in large population cohorts (gnomAD); Has not been previously published as pathogenic or benign to our knowledge

Kasturba Medical College, Manipal, Kasturba Medical College, Manipal, Manipal Academy of Higher Education, Manipal, India
Classification: Pathogenic for Cardiac anomalies - developmental delay - facial dysmorphism syndrome. Review status: criteria provided, single submitter. Criteria: ACMG Guidelines, 2015. Collection method: clinical testing. Allele origin: de novo. Inheritance: Autosomal dominant inheritance. Affected: yes. Observed: 1 heterozygote.
Comment: This variant is predicted to cause shift in the reading frame of the transcript which will either lead to the nonsense-mediated mRNA decay or formation of a truncated protein product.